The following is an entry in ClinVar:

ClinVar aggregate classification (germline): Pathogenic (1 of 4 stars; one submission).

Conditions:
Hereditary cancer-predisposing syndrome. Also called: Hereditary neoplastic syndrome; Hereditary Cancer Syndrome; Neoplastic Syndromes, Hereditary; Tumor predisposition. Identifiers: Orphanet 140162, MedGen C0027672, MeSH D009386, MONDO:0015356.

Submission:

Color Diagnostics, LLC DBA Color Health
Classification: Pathogenic for Hereditary cancer-predisposing syndrome. Last evaluated: 2022-07-25. Review status: criteria provided, single submitter. Criteria: ACMG Guidelines, 2015. Collection method: clinical testing. Allele origin: germline.
Comment: This variant changes 1 nucleotide in exon 2 of the RAD51C gene, creating a premature translation stop signal. This variant is expected to result in an absent or non-functional protein product. To our knowledge, this variant has not been reported in individuals affected with hereditary cancer in the literature. This variant has not been identified in the general population by the Genome Aggregation Database (gnomAD). Loss of RAD51C function is a known mechanism of disease. Based on the available evidence, this variant is classified as Pathogenic.

NM_058216.3(RAD51C):c.225T>A (p.Tyr75Ter)

Gene: RAD51C (RAD51 paralog C; plus strand). Cytogenetic location: 17q22.
Variant type: single nucleotide variant.
Coding change: c.225T>A on transcript NM_058216.3 (MANE Select); coding-DNA position 225, T replaced by A.
Protein change: p.Tyr75Ter; replaces tyrosine 75 with a stop codon.
Molecular consequence: nonsense. On other transcripts: non-coding transcript variant (2).
Genome position (GRCh38, 1-based): chr17:58,695,010, T>A. VCF-style: chr17-58695010-T-A. GRCh37 (hg19) VCF-style: chr17-56772371-T-A.
Other names: c.225T>A, p.Tyr75Ter (NM_002876.4, NM_058217.1); short protein forms Y75*.
Identifiers: ClinVar variation 2774193 (VCV002774193.2), dbSNP rs1555593553, ClinGen allele CA400340175.